The following is an entry in ClinVar:

ClinVar aggregate classification (germline): Uncertain significance. Review status: criteria provided, single submitter (1 of 4 stars). 2 submissions from 2 submitters: Uncertain significance (1). 1 of the submissions does not count toward it. Last evaluated 2017-04-17.

Conditions:
Autosomal recessive polycystic kidney disease (ARPKD). Also called: AR polycystic kidney disease. Identifiers: Orphanet 731, Orphanet 8378, MedGen C0085548, MeSH D017044, MONDO:0009889.

Allele frequency attached by ClinVar (database versions not stated): ExAC 0.00001; TOPMed 0.00001; gnomAD exomes 0.00002.
gnomAD v4.1: 21 of 1,614,092 alleles (0.0013%); highest among the groups gnomAD compares: Non-Finnish European, 0.00025%; no homozygotes.

Submissions (2):

Women's Health and Genetics/Laboratory Corporation of America, LabCorp
Classification: Uncertain significance. Last evaluated: 2017-04-17. Review status: criteria provided, single submitter. Criteria: LabCorp Variant Classification Summary - May 2015. Collection method: clinical testing. Allele origin: germline.
Comment: Variant summary: The PKHD1 c.8036T>C (p.Leu2679Pro) variant involves the alteration of a non-conserved nucleotide. 3/4 in silico tools predict benign outcome for this variant (SNPs&GO not captured due to low reliability index) and it is located outside of commonly known domains/repeats (InterPro, UniProt). This variant was found in 1/121370 control chromosomes from ExAC at a frequency of 0.0000082, which does not exceed the estimated maximal expected allele frequency of a pathogenic PKHD1 variant (0.0070711). The variant of interest has not, to our knowledge, been reported in affected individuals via publications and/or reputable databases/clinical diagnostic laboratories, nor evaluated for functional impact by in vivo/vitro studies. There is no clustering of clinically important missense variants at this region (ref. HGMD and ClinVar). Because of the absence of clinical information and the lack of functional studies, the variant is classified as a variant of uncertain significance (VUS) until additional information becomes available.

Natera, Inc.
Classification: Uncertain significance for Autosomal recessive polycystic kidney disease. Last evaluated: 2020-09-22. Review status: no assertion criteria provided. Collection method: clinical testing. Allele origin: germline. Not counted in ClinVar's aggregate classification.

NM_138694.4(PKHD1):c.8036T>C (p.Leu2679Pro)

Gene: PKHD1 (PKHD1 ciliary IPT domain containing fibrocystin/polyductin; minus strand). Cytogenetic location: 6p12.2.
Variant type: single nucleotide variant.
Coding change: c.8036T>C on transcript NM_138694.4 (MANE Select); coding-DNA position 8036, T replaced by C.
Protein change: p.Leu2679Pro; replaces leucine 2679 with proline.
Molecular consequence: missense variant.
Genome position (GRCh38, 1-based): chr6:51,847,846, A>G on the plus strand (T>C on the coding strand, the complement: PKHD1 is on the minus strand). VCF-style: chr6-51847846-A-G. GRCh37 (hg19) VCF-style: chr6-51712644-A-G.
Other names: c.8036T>C, p.Leu2679Pro (NM_170724.3); short protein forms L2679P.
Identifiers: ClinVar variation 496526 (VCV000496526.2), dbSNP rs200129776, ClinGen allele CA3851765.
Genomic context (GRCh38, chr6:51,847,846, plus strand): 5'-AGTTGCCTCAGCTGGCTATTGAAGAACCAGTCACAGCCTTGGTTCTGACCTGGTGATGGA[A>G]GAAATGGAAAAGACAGACCCACTCGACTCCCACATCTTAGGAGGATGTCAGGGTAAGGCG-3'
Protein context (NP_619639.3, residues 2669-2689): GSRVGLSFPF[Leu2679Pro]PSPGQNQGCD